The following is an entry in ClinVar:

NM_000135.4(FANCA):c.396T>G (p.Ser132Arg)

Gene: FANCA (FA complementation group A; minus strand). Cytogenetic location: 16q24.3.
Variant type: single nucleotide variant.
Coding change: c.396T>G on transcript NM_000135.4 (MANE Select); coding-DNA position 396, T replaced by G.
Protein change: p.Ser132Arg; replaces serine 132 with arginine.
Molecular consequence: missense variant.
Genome position (GRCh38, 1-based): chr16:89,810,959, A>C on the plus strand (T>G on the coding strand, the complement: FANCA is on the minus strand). VCF-style: chr16-89810959-A-C. GRCh37 (hg19) VCF-style: chr16-89877367-A-C.
Other names: c.396T>G, p.Ser132Arg (NM_001018112.3, NM_001286167.3, NM_001351830.2); c.396T>G (NM_000135.3); short protein forms S132R.
Identifiers: ClinVar variation 950134 (VCV000950134.9), dbSNP rs1272640964, ClinGen allele CA397480914.

ClinVar aggregate classification (germline): Uncertain significance. Review status: criteria provided, multiple submitters, no conflicts (2 of 4 stars). 4 submissions from 4 submitters: Uncertain significance (3). 1 of the submissions does not count toward it. Last evaluated 2024-10-21.

Conditions:
Fanconi anemia complementation group A (FANCA). Also called: Fanconi anemia, group A; FANCA-Related Fanconi Anemia. Identifiers: Orphanet 84, MedGen C3469521, MONDO:0009215, OMIM 227650.
Fanconi anemia (FA). Also called: Fanconi's anemia. Identifiers: Orphanet 84, MedGen C0015625, MeSH D005199, MONDO:0019391.

Allele frequency attached by ClinVar (database versions not stated): TOPMed 0.00001.
gnomAD v4.1: 4 of 1,614,136 alleles (0.00025%); highest among the groups gnomAD compares: Non-Finnish European, 0.00034%; no homozygotes.

Submissions (4):

Quest Diagnostics Nichols Institute San Juan Capistrano
Classification: Uncertain significance. Last evaluated: 2024-10-21. Review status: criteria provided, single submitter. Criteria: Quest Diagnostics criteria. Collection method: clinical testing. Allele origin: unknown.
Comment: The FANCA c.396T>G (p.Ser132Arg) variant has not been reported in individuals with FANCA-related conditions in the published literature. It also has not been reported in large, multi-ethnic general populations (Genome Aggregation Database). Analysis of this variant using bioinformatics tools for the prediction of the effect of amino acid changes on protein structure and function yielded predictions that this variant is benign. Based on the available information, we are unable to determine the clinical significance of this variant.

Labcorp Genetics (formerly Invitae), Labcorp
Classification: Uncertain significance for Fanconi anemia. Last evaluated: 2022-09-28. Review status: criteria provided, single submitter. Criteria: Invitae Variant Classification Sherloc (09022015). Collection method: clinical testing. Allele origin: germline.
Comment: This sequence change replaces serine, which is neutral and polar, with arginine, which is basic and polar, at codon 132 of the FANCA protein (p.Ser132Arg). This variant is not present in population databases (gnomAD no frequency). This variant has not been reported in the literature in individuals affected with FANCA-related conditions. ClinVar contains an entry for this variant (Variation ID: 950134). Advanced modeling of protein sequence and biophysical properties (such as structural, functional, and spatial information, amino acid conservation, physicochemical variation, residue mobility, and thermodynamic stability) performed at Invitae indicates that this missense variant is not expected to disrupt FANCA protein function. In summary, the available evidence is currently insufficient to determine the role of this variant in disease. Therefore, it has been classified as a Variant of Uncertain Significance.

Fulgent Genetics
Classification: Uncertain significance for Fanconi anemia complementation group A. Last evaluated: 2022-05-12. Review status: criteria provided, single submitter. Criteria: ACMG Guidelines, 2015. Collection method: clinical testing. Allele origin: unknown.

Natera, Inc.
Classification: Uncertain significance for Fanconi anemia. Last evaluated: 2020-02-13. Review status: no assertion criteria provided. Collection method: clinical testing. Allele origin: germline. Not counted in ClinVar's aggregate classification.